The following is an entry in ClinVar:

NM_145200.5(CABP4):c.668A>G (p.Asp223Gly)

Gene: CABP4 (calcium binding protein 4; plus strand). Cytogenetic location: 11q13.2.
Variant type: single nucleotide variant.
Coding change: c.668A>G on transcript NM_145200.5 (MANE Select); coding-DNA position 668, A replaced by G.
Protein change: p.Asp223Gly; replaces aspartic acid 223 with glycine.
Molecular consequence: missense variant. On other transcripts: non-coding transcript variant (1).
Genome position (GRCh38, 1-based): chr11:67,458,387, A>G. VCF-style: chr11-67458387-A-G. GRCh37 (hg19) VCF-style: chr11-67225858-A-G.
Other names: c.353A>G, p.Asp118Gly (NM_001300895.3, NM_001300896.3, NM_001379183.1); short protein forms D118G, D223G.
Identifiers: ClinVar variation 1714693 (VCV001714693.5), dbSNP rs2495283664, ClinGen allele CA381533128.
Genomic context (GRCh38, chr11:67,458,387, plus strand): 5'-AGGCAGCTTTGGGTGGGAGGGGCTGAGCTTTGCGGGGACCTTAGTTTGACAGGGACAGGG[A>G]TGGACGAATTACGGTGGCGGAGCTGCGGGAGGCGGTACCGGCTCTGCTCGGGGAGCCGCT-3'
Protein context (NP_660201.1, residues 213-233): IAFREFDRDR[Asp223Gly]GRITVAELRE

ClinVar aggregate classification (germline): Uncertain significance (1 of 4 stars; one submission).

Submission:

Labcorp Genetics (formerly Invitae), Labcorp
Classification: Uncertain significance. Last evaluated: 2024-12-02. Review status: criteria provided, single submitter. Criteria: Invitae Variant Classification Sherloc (09022015). Collection method: clinical testing. Allele origin: germline.
Comment: This sequence change replaces aspartic acid, which is acidic and polar, with glycine, which is neutral and non-polar, at codon 223 of the CABP4 protein (p.Asp223Gly). This variant is not present in population databases (gnomAD no frequency). This variant has not been reported in the literature in individuals affected with CABP4-related conditions. ClinVar contains an entry for this variant (Variation ID: 1714693). Invitae Evidence Modeling of protein sequence and biophysical properties (such as structural, functional, and spatial information, amino acid conservation, physicochemical variation, residue mobility, and thermodynamic stability) indicates that this missense variant is expected to disrupt CABP4 protein function with a positive predictive value of 80%. In summary, the available evidence is currently insufficient to determine the role of this variant in disease. Therefore, it has been classified as a Variant of Uncertain Significance.